The following is an entry in ClinVar:

ClinVar aggregate classification (germline): Likely benign. Review status: criteria provided, multiple submitters, no conflicts (2 of 4 stars). 2 submissions from 2 submitters: Likely benign (2). Last evaluated 2018-06-19.

Allele frequency attached by ClinVar (database versions not stated): 1000 Genomes Project 30x 0.00468; 1000 Genomes Project 0.00479; TOPMed 0.00794; gnomAD 0.00854 and 0.00865; gnomAD exomes 0.01011.
gnomAD v4.1: 15,727 of 1,574,434 alleles (1%); highest among the groups gnomAD compares: Middle Eastern, 2.7%; 136 homozygotes.

Submissions (2):

GeneDx
Classification: Likely benign. Last evaluated: 2018-06-19. Review status: criteria provided, single submitter. Criteria: GeneDx Variant Classification (06012015). Collection method: clinical testing. Allele origin: germline. Affected: yes.
Comment: This variant is considered likely benign or benign based on one or more of the following criteria: it is a conservative change, it occurs at a poorly conserved position in the protein, it is predicted to be benign by multiple in silico algorithms, and/or has population frequency not consistent with disease.

Breakthrough Genomics
Classification: Likely benign. Review status: criteria provided, single submitter. Criteria: ACMG Guidelines, 2015. Collection method: not provided. Allele origin: germline. Inheritance: Autosomal recessive inheritance. Affected: yes.

NM_000023.4(SGCA):c.38-96C>T

Gene: SGCA (sarcoglycan alpha; plus strand). Cytogenetic location: 17q21.33.
Variant type: single nucleotide variant.
Coding change: c.38-96C>T on transcript NM_000023.4 (MANE Select); 96 bases into the intron before coding-DNA position 38, C replaced by T.
Molecular consequence: intron variant.
Genome position (GRCh38, 1-based): chr17:50,167,272, C>T. VCF-style: chr17-50167272-C-T. GRCh37 (hg19) VCF-style: chr17-48244633-C-T.
Other names: c.38-96C>T (NM_001135697.3).
Identifiers: ClinVar variation 677622 (VCV000677622.2), dbSNP rs148431038, ClinGen allele CA291535917.